The following is an entry in ClinVar:

NM_001098.3(ACO2):c.584C>T (p.Thr195Ile)

Gene: ACO2 (aconitase 2; plus strand). Cytogenetic location: 22q13.2.
Variant type: single nucleotide variant.
Coding change: c.584C>T on transcript NM_001098.3 (MANE Select); coding-DNA position 584, C replaced by T.
Protein change: p.Thr195Ile; replaces threonine 195 with isoleucine.
Molecular consequence: missense variant.
Genome position (GRCh38, 1-based): chr22:41,515,435, C>T. VCF-style: chr22-41515435-C-T. GRCh37 (hg19) VCF-style: chr22-41911439-C-T.
Other names: short protein forms T195I.
Identifiers: ClinVar variation 1490385 (VCV001490385.6), dbSNP rs752492047, ClinGen allele CA10257401.
Genomic context (GRCh38, chr22:41,515,435, plus strand): 5'-AGATTATTCTGGAAAACTATGCGTACCCTGGTGTTCTTCTGATTGGCACTGACTCCCACA[C>T]CCCCAATGGTGGCGGCCTTGGGGGCATCTGCATTGGAGTTGGGGGTGCCGATGCTGTGGA-3'
Protein context (NP_001089.1, residues 185-205): GVLLIGTDSH[Thr195Ile]PNGGGLGGIC

ClinVar aggregate classification (germline): Uncertain significance (1 of 4 stars; one submission).

gnomAD v4.1: 5 of 1,613,754 alleles (0.00031%); highest among the groups gnomAD compares: Admixed American, 0.0033%; no homozygotes.

Submission:

Labcorp Genetics (formerly Invitae), Labcorp
Classification: Uncertain significance. Last evaluated: 2025-08-06. Review status: criteria provided, single submitter. Criteria: Invitae Variant Classification Sherloc (09022015). Collection method: clinical testing. Allele origin: germline.
Comment: This sequence change replaces threonine, which is neutral and polar, with isoleucine, which is neutral and non-polar, at codon 195 of the ACO2 protein (p.Thr195Ile). This variant is present in population databases (rs752492047, gnomAD 0.006%). This variant has not been reported in the literature in individuals affected with ACO2-related conditions. ClinVar contains an entry for this variant (Variation ID: 1490385). Invitae Evidence Modeling of protein sequence and biophysical properties (such as structural, functional, and spatial information, amino acid conservation, physicochemical variation, residue mobility, and thermodynamic stability) indicates that this missense variant is expected to disrupt ACO2 protein function with a positive predictive value of 80%. In summary, the available evidence is currently insufficient to determine the role of this variant in disease. Therefore, it has been classified as a Variant of Uncertain Significance.